The following is an entry in ClinVar:

ClinVar aggregate classification (germline): Conflicting classifications of pathogenicity. Review status: criteria provided, conflicting classifications (1 of 4 stars). 2 submissions from 2 submitters: Uncertain significance (1); Likely benign (1). Last evaluated 2023-03-23.

Conditions:
Hereditary cancer-predisposing syndrome. Also called: Tumor predisposition; Hereditary Cancer Syndrome; Neoplastic Syndromes, Hereditary; Hereditary neoplastic syndrome. Identifiers: Orphanet 140162, MedGen C0027672, MeSH D009386, MONDO:0015356.

Submissions (2):

University of Washington Department of Laboratory Medicine, University of Washington
Classification: Likely benign for Hereditary cancer-predisposing syndrome. Last evaluated: 2023-03-23. Review status: criteria provided, single submitter. Criteria: Dines et al. (Genet Med. 2020). Collection method: curation. Allele origin: germline.
Comment: Missense variant in a coldspot region where missense variants are very unlikely to be pathogenic (PMID:31911673).

BRCA2 exon 11 coldspot. Reclassification based on statistical prior probability.

Ambry Genetics
Classification: Uncertain significance for Hereditary cancer-predisposing syndrome. Last evaluated: 2022-02-13. Review status: criteria provided, single submitter. Criteria: Ambry Variant Classification Scheme 2023. Collection method: clinical testing. Allele origin: germline.
Comment: The p.T966A variant (also known as c.2896A>G), located in coding exon 10 of the BRCA2 gene, results from an A to G substitution at nucleotide position 2896. The threonine at codon 966 is replaced by alanine, an amino acid with similar properties. This amino acid position is conserved. In addition, this alteration is predicted to be tolerated by in silico analysis. Since supporting evidence is limited at this time, the clinical significance of this alteration remains unclear.

NM_000059.4(BRCA2):c.2896A>G (p.Thr966Ala)

Gene: BRCA2 (BRCA2 DNA repair associated; plus strand). Cytogenetic location: 13q13.1.
Variant type: single nucleotide variant.
Coding change: c.2896A>G on transcript NM_000059.4 (MANE Select); coding-DNA position 2896, A replaced by G.
Protein change: p.Thr966Ala; replaces threonine 966 with alanine.
Molecular consequence: missense variant.
Genome position (GRCh38, 1-based): chr13:32,337,251, A>G. VCF-style: chr13-32337251-A-G. GRCh37 (hg19) VCF-style: chr13-32911388-A-G.
Other names: c.2896A>G, p.Thr966Ala (NM_001406719.1, NM_001406720.1); short protein forms T966A.
Identifiers: ClinVar variation 1797352 (VCV001797352.4), dbSNP rs2137491014, ClinGen allele CA387774151.
Genomic context (GRCh38, chr13:32,337,251, plus strand): 5'-GATTTGGTTTATGTTCTTGCAGAGGAGAACAAAAATAGTGTAAAGCAGCATATAAAAATG[A>G]CTCTAGGTCAAGATTTAAAATCGGACATCTCCTTGAATATAGATAAAATACCAGAAAAAA-3'
Protein context (NP_000050.3, residues 956-976): KNSVKQHIKM[Thr966Ala]LGQDLKSDIS